The following is an entry in ClinVar:

ClinVar aggregate classification (germline): Uncertain significance. Review status: criteria provided, multiple submitters, no conflicts (2 of 4 stars). 4 submissions from 4 submitters: Uncertain significance (4). Last evaluated 2025-11-04.

Conditions:
Inborn genetic diseases. Identifiers: MedGen C0950123, MeSH D030342.

Allele frequency attached by ClinVar (database versions not stated): gnomAD exomes 0.00002 and 0.00003; ExAC 0.00003; gnomAD 0.00003; TOPMed 0.00003; ESP Exome Variant Server 0.00015.
gnomAD v4.1: 38 of 1,613,314 alleles (0.0024%); highest among the groups gnomAD compares: Non-Finnish European, 0.0031%; no homozygotes.

Submissions (4):

Labcorp Genetics (formerly Invitae), Labcorp
Classification: Uncertain significance. Last evaluated: 2025-11-04. Review status: criteria provided, single submitter. Criteria: Invitae Variant Classification Sherloc (09022015). Collection method: clinical testing. Allele origin: germline.
Comment: This sequence change replaces serine, which is neutral and polar, with threonine, which is neutral and polar, at codon 1003 of the SAMD9L protein (p.Ser1003Thr). The frequency data for this variant in the population databases is considered unreliable, as metrics indicate poor data quality at this position in the gnomAD database. This variant has not been reported in the literature in individuals affected with SAMD9L-related conditions. ClinVar contains an entry for this variant (Variation ID: 1320876). Experimental studies and prediction algorithms are not available or were not evaluated, and the functional significance of this variant is currently unknown. In summary, the available evidence is currently insufficient to determine the role of this variant in disease. Therefore, it has been classified as a Variant of Uncertain Significance.

Women's Health and Genetics/Laboratory Corporation of America, LabCorp
Classification: Uncertain significance. Last evaluated: 2025-06-04. Review status: criteria provided, single submitter. Criteria: LabCorp Variant Classification Summary - May 2015. Collection method: clinical testing. Allele origin: germline.
Comment: Variant summary: SAMD9L c.3008G>C (p.Ser1003Thr) results in a conservative amino acid change in the encoded protein sequence. Algorithms developed to predict the effect of missense changes on protein structure and function all suggest that this variant is likely to be tolerated. The variant allele was found at a frequency of 2.8e-05 in 250228 control chromosomes. The available data on variant occurrences in the general population are insufficient to allow any conclusion about variant significance. To our knowledge, no occurrence of c.3008G>C in individuals affected with SAMD9L-Related Disorders and no experimental evidence demonstrating its impact on protein function have been reported. ClinVar contains an entry for this variant (Variation ID: 1320876). Based on the evidence outlined above, the variant was classified as uncertain significance.

Ambry Genetics
Classification: Uncertain significance for Inborn genetic diseases. Last evaluated: 2024-11-30. Review status: criteria provided, single submitter. Criteria: Ambry Variant Classification Scheme 2023. Collection method: clinical testing. Allele origin: germline.
Comment: The p.S1003T variant (also known as c.3008G>C), located in coding exon 1 of the SAMD9L gene, results from a G to C substitution at nucleotide position 3008. The serine at codon 1003 is replaced by threonine, an amino acid with similar properties. This amino acid position is conserved. In addition, this alteration is predicted to be tolerated by in silico analysis. Based on the available evidence, the clinical significance of this variant remains unclear.

GeneDx
Classification: Uncertain significance. Last evaluated: 2024-02-18. Review status: criteria provided, single submitter. Criteria: GeneDx Variant Classification Process June 2021. Collection method: clinical testing. Allele origin: germline. Affected: yes.
Comment: In silico analysis supports that this missense variant does not alter protein structure/function; Has not been previously published as pathogenic or benign to our knowledge; This variant is associated with the following publications: (PMID: 28545555)

NM_152703.5(SAMD9L):c.3008G>C (p.Ser1003Thr)

Gene: SAMD9L (sterile alpha motif domain containing 9 like; minus strand). Cytogenetic location: 7q21.2.
Variant type: single nucleotide variant.
Coding change: c.3008G>C on transcript NM_152703.5 (MANE Select); coding-DNA position 3008, G replaced by C.
Protein change: p.Ser1003Thr; replaces serine 1003 with threonine.
Molecular consequence: missense variant.
Genome position (GRCh38, 1-based): chr7:93,132,964, C>G on the plus strand (G>C on the coding strand, the complement: SAMD9L is on the minus strand). VCF-style: chr7-93132964-C-G. GRCh37 (hg19) VCF-style: chr7-92762277-C-G.
Other names: c.3008G>C (NM_152703.2); c.3008G>C, p.Ser1003Thr (NM_001303496.3, NM_001303497.3, NM_001303498.3 and 5 more transcripts); short protein forms S1003T.
Identifiers: ClinVar variation 1320876 (VCV001320876.11), dbSNP rs370655820, ClinGen allele CA4343525.